The following is an entry in ClinVar:

NM_004533.4(MYBPC2):c.3161T>A (p.Leu1054His)

Gene: MYBPC2 (myosin binding protein C2; plus strand). Cytogenetic location: 19q13.33.
Variant type: single nucleotide variant.
Coding change: c.3161T>A on transcript NM_004533.4 (MANE Select); coding-DNA position 3161, T replaced by A.
Protein change: p.Leu1054His; replaces leucine 1054 with histidine.
Molecular consequence: missense variant.
Genome position (GRCh38, 1-based): chr19:50,461,969, T>A. VCF-style: chr19-50461969-T-A. GRCh37 (hg19) VCF-style: chr19-50965226-T-A.
Other names: short protein forms L1054H.
Identifiers: ClinVar variation 3915186 (VCV003915186.2).

ClinVar aggregate classification (germline): Uncertain significance. Review status: criteria provided, multiple submitters, no conflicts (2 of 4 stars). 2 submissions from 2 submitters: Uncertain significance (2). Last evaluated 2025-10-20.

gnomAD v4.1: 16 of 1,584,442 alleles (0.001%); highest among the groups gnomAD compares: Non-Finnish European, 0.0014%; no homozygotes.

Submissions (2):

Clinical Genomics Laboratory, Washington University in St. Louis
Classification: Uncertain significance. Last evaluated: 2025-10-20. Review status: criteria provided, single submitter. Criteria: ACMG Guidelines, 2015. Collection method: clinical testing. Allele origin: germline.
Comment: The MYBPC2 c.3161T>A (p.Leu1054His) variant, to our knowledge, has not been reported in the medical literature. This variant has been reported in the ClinVar database as a germline variant of uncertain significance by one submitter. This variant is only observed in 16/1,584,442 alleles in the general population (gnomAD v.4.1.0), indicating it is not a common variant. Computational predictors are uncertain as to the impact of this variant on MYBPC2 function. Due to limited information, the clinical significance of this variant is uncertain.

Ambry Genetics
Classification: Uncertain significance. Last evaluated: 2025-03-18. Review status: criteria provided, single submitter. Criteria: Ambry Variant Classification Scheme 2023. Collection method: clinical testing. Allele origin: germline.